The following is an entry in ClinVar:

ClinVar aggregate classification (germline): Conflicting classifications of pathogenicity. Review status: criteria provided, conflicting classifications (1 of 4 stars). 2 submissions from 1 submitter: Likely pathogenic (1); Uncertain significance (1). Last evaluated 2019-03-20.

Conditions:
Aneurysm-osteoarthritis syndrome. Also called: SMAD3-Related Loeys-Dietz Syndrome; ANEURYSMS-OSTEOARTHRITIS SYNDROME; LOEYS-DIETZ SYNDROME WITH OSTEOARTHRITIS; Loeys-Dietz syndrome, type 1C. Identifiers: Orphanet 284984, MedGen C3151087, MONDO:0013426, OMIM 613795.
Vascular dilatation. Also called: Aneurysm. Identifiers: MedGen C0002940, HP:0002617.

Allele frequency attached by ClinVar (database versions not stated): gnomAD exomes below 0.00001.
gnomAD v4.1: 1 of 1,613,968 alleles (0.000062%); highest among the groups gnomAD compares: Non-Finnish European, 0.000085%; no homozygotes.

Submissions (2):

Centre for Mendelian Genomics, University Medical Centre Ljubljana
Classification: Uncertain significance for Aneurysm-osteoarthritis syndrome. Last evaluated: 2019-03-20. Review status: criteria provided, single submitter. Criteria: ACMG Guidelines, 2015. Collection method: clinical testing. Allele origin: unknown. Affected: yes.
Comment: This variant was classified as: Uncertain significance. The available evidence favors the pathogenic nature of this variant, however the currently available data is insufficient to conclusively support its pathogenic nature. Thus this variant is classified as Uncertain significance - favor pathogenic. The following ACMG criteria were applied in classifying this variant: PM2,PP2,PP3,PP4.

Centre for Mendelian Genomics, University Medical Centre Ljubljana
Classification: Likely pathogenic for Vascular dilatation. Last evaluated: 2013-11-28. Review status: criteria provided, single submitter. Criteria: ACMG Guidelines, 2015. Collection method: clinical testing. Allele origin: unknown. Affected: yes.

NM_005902.4(SMAD3):c.281G>T (p.Trp94Leu)

Gene: SMAD3 (SMAD family member 3; plus strand). Cytogenetic location: 15q22.33.
Variant type: single nucleotide variant.
Coding change: c.281G>T on transcript NM_005902.4 (MANE Select); coding-DNA position 281, G replaced by T.
Protein change: p.Trp94Leu; replaces tryptophan 94 with leucine.
Molecular consequence: missense variant. On other transcripts: 5 prime UTR variant (1).
Genome position (GRCh38, 1-based): chr15:67,164,969, G>T. VCF-style: chr15-67164969-G-T. GRCh37 (hg19) VCF-style: chr15-67457307-G-T.
Other names: c.-35G>T (NM_001145102.2); c.149G>T, p.Trp50Leu (NM_001145103.2); short protein forms W94L, W50L.
Identifiers: ClinVar variation 374207 (VCV000374207.4), dbSNP rs1057518977, ClinGen allele CA16043497.